The following is an entry in ClinVar:

Conditions:
Breast-ovarian cancer, familial, susceptibility to, 1 (BROVCA1). Also called: BRCA1 Hereditary Breast and Ovarian Cancer; OVARIAN CANCER, SUSCEPTIBILITY TO. Identifiers: Orphanet 145, MedGen C2676676, MONDO:0011450, OMIM 604370. Disease mechanism: loss of function.

Submission:

Brotman Baty Institute, University of Washington
No classification provided (evidence only). Condition: Breast-ovarian cancer, familial 1. Review status: no classification provided. Collection method: in vitro. Allele origin: not applicable. Functional consequence: functionally_normal.
ClinVar note: "not provided" was previously submitted as the classification for the variant. However, the classification appeared to be based only on an observation of functional data so it was converted to no classification on 2025-07-30.

NM_007294.4(BRCA1):c.5278-18C>T

Gene: BRCA1 (BRCA1 DNA repair associated; minus strand). Cytogenetic location: 17q21.31.
Variant type: single nucleotide variant.
Coding change: c.5278-18C>T on transcript NM_007294.4 (MANE Select); 18 bases into the intron before coding-DNA position 5278, C replaced by T.
Molecular consequence: intron variant.
Genome position (GRCh38, 1-based): chr17:43,051,135, G>A on the plus strand (C>T on the coding strand, the complement: BRCA1 is on the minus strand). VCF-style: chr17-43051135-G-A. GRCh37 (hg19) VCF-style: chr17-41203152-G-A.
Other names: c.1825-18C>T (NM_001408458.1, NM_001408461.1, NM_001408464.1 and 7 more transcripts); c.4387-18C>T (NM_001407967.1); c.4897-18C>T (NM_001407959.1); c.5011-18C>T (NM_001407931.1, NM_001407932.1, NM_001407928.1 and 4 more transcripts); c.5134-18C>T (NM_001407747.1, NM_001407745.1, NM_001407737.1 and 21 more transcripts); c.4894-18C>T (NM_001407962.1, NM_001407960.1); c.1465-18C>T (NM_001408512.1); c.1588-18C>T (NM_001408510.1); and 74 more.
Identifiers: ClinVar variation 867319 (VCV000867319.3), dbSNP rs1555575750, ClinGen allele CA916081093.